The following is an entry in ClinVar:

ClinVar aggregate classification (germline): Uncertain significance (1 of 4 stars; one submission).

Submission:

Labcorp Genetics (formerly Invitae), Labcorp
Classification: Uncertain significance. Last evaluated: 2023-01-24. Review status: criteria provided, single submitter. Criteria: Invitae Variant Classification Sherloc (09022015). Collection method: clinical testing. Allele origin: germline.
Comment: This variant is not present in population databases (gnomAD no frequency). In summary, the available evidence is currently insufficient to determine the role of this variant in disease. Therefore, it has been classified as a Variant of Uncertain Significance. Advanced modeling of protein sequence and biophysical properties (such as structural, functional, and spatial information, amino acid conservation, physicochemical variation, residue mobility, and thermodynamic stability) performed at Invitae indicates that this missense variant is not expected to disrupt RHO protein function. ClinVar contains an entry for this variant (Variation ID: 1355107). This missense change has been observed in individual(s) with clinical features of retinal dystrophy (Invitae). This sequence change replaces alanine, which is neutral and non-polar, with proline, which is neutral and non-polar, at codon 173 of the RHO protein (p.Ala173Pro).

NM_000539.3(RHO):c.517G>C (p.Ala173Pro)

Gene: RHO (rhodopsin; plus strand). Cytogenetic location: 3q22.1.
Variant type: single nucleotide variant.
Coding change: c.517G>C on transcript NM_000539.3 (MANE Select); coding-DNA position 517, G replaced by C.
Protein change: p.Ala173Pro; replaces alanine 173 with proline.
Molecular consequence: missense variant.
Genome position (GRCh38, 1-based): chr3:129,531,031, G>C. VCF-style: chr3-129531031-G-C. GRCh37 (hg19) VCF-style: chr3-129249874-G-C.
Other names: short protein forms A173P.
Identifiers: ClinVar variation 1355107 (VCV001355107.8), dbSNP rs139731264, ClinGen allele CA354498751.